The following is an entry in ClinVar:

ClinVar aggregate classification (germline): Likely pathogenic (1 of 4 stars; one submission).

Conditions:
Autosomal recessive polycystic kidney disease (ARPKD). Also called: AR polycystic kidney disease. Identifiers: Orphanet 731, Orphanet 8378, MedGen C0085548, MeSH D017044, MONDO:0009889.

Submission:

Natera, Inc.
Classification: Likely pathogenic for Autosomal recessive polycystic kidney disease. Last evaluated: 2024-08-23. Review status: criteria provided, single submitter. Criteria: Natera Variant Classification Schema (03/2026). Collection method: clinical testing. Allele origin: germline.
Comment: The c.11442C>G variant in PKHD1 is a nonsense variant predicted to introduce a stop codon at amino acid 3814. This variant is expected to result in nonsense mediated decay, truncation, or a dysfunctional protein product. This variant is rare in the general population with a frequency below the threshold expected for the associated phenotype(s). Given the available evidence, this variant is classified as Likely Pathogenic.

NM_138694.4(PKHD1):c.11442C>G (p.Tyr3814Ter)

Gene: PKHD1 (PKHD1 ciliary IPT domain containing fibrocystin/polyductin; minus strand). Cytogenetic location: 6p12.3.
Variant type: single nucleotide variant.
Coding change: c.11442C>G on transcript NM_138694.4 (MANE Select); coding-DNA position 11442, C replaced by G.
Protein change: p.Tyr3814Ter; replaces tyrosine 3814 with a stop codon.
Molecular consequence: nonsense.
Genome position (GRCh38, 1-based): chr6:51,638,913, G>C on the plus strand (C>G on the coding strand, the complement: PKHD1 is on the minus strand). VCF-style: chr6-51638913-G-C. GRCh37 (hg19) VCF-style: chr6-51503711-G-C.
Other names: short protein forms Y3814*.
Identifiers: ClinVar variation 4816553 (VCV004816553.1).